The following is an entry in ClinVar:

ClinVar aggregate classification (germline): Uncertain significance (1 of 4 stars; one submission).

Submission:

Dasa
Classification: Uncertain significance. Last evaluated: 2024-11-05. Review status: criteria provided, single submitter. Criteria: DASA Assertion Criteria. Collection method: clinical testing. Allele origin: germline.
Comment: NM_012216.4(MID2):c.119C>G (p.Pro40Arg) is a missense variant that results in the substitution of proline with arginine. This variant is absent from population databases. Computational prediction algorithms are consistent with a deleterious effect. The currently available literature and clinical evidence are not sufficient to establish a definitive association between this variant and the reported condition. Therefore, this variant is classified as a variant of uncertain significance.

NM_012216.4(MID2):c.119C>G (p.Pro40Arg)

Gene: MID2 (midline 2; plus strand). Cytogenetic location: Xq22.3.
Variant type: single nucleotide variant.
Coding change: c.119C>G on transcript NM_012216.4 (MANE Select); coding-DNA position 119, C replaced by G.
Protein change: p.Pro40Arg; replaces proline 40 with arginine.
Molecular consequence: missense variant.
Genome position (GRCh38, 1-based): chrX:107,840,784, C>G. VCF-style: chrX-107840784-C-G. GRCh37 (hg19) VCF-style: chrX-107084014-C-G.
Other names: c.59C>G, p.Pro20Arg (NM_001382751.1, NM_001382752.1); c.119C>G, p.Pro40Arg (NM_052817.3); short protein forms P20R, P40R.
Identifiers: ClinVar variation 4885469 (VCV004885469.2).